The following is an entry in ClinVar:

NM_000292.3(PHKA2):c.1952C>A (p.Thr651Asn)

Gene: PHKA2 (phosphorylase kinase regulatory subunit alpha 2; minus strand). Cytogenetic location: Xp22.13.
Variant type: single nucleotide variant.
Coding change: c.1952C>A on transcript NM_000292.3 (MANE Select); coding-DNA position 1952, C replaced by A.
Protein change: p.Thr651Asn; replaces threonine 651 with asparagine.
Molecular consequence: missense variant.
Genome position (GRCh38, 1-based): chrX:18,920,043, G>T on the plus strand (C>A on the coding strand, the complement: PHKA2 is on the minus strand). VCF-style: chrX-18920043-G-T. GRCh37 (hg19) VCF-style: chrX-18938161-G-T.
Other names: p.Thr651Asn; short protein forms T651N.
Identifiers: ClinVar variation 255770 (VCV000255770.14), dbSNP rs149991825, ClinGen allele CA10361765.
Genomic context (GRCh38, chrX:18,920,043, plus strand): 5'-AGTTTAAATAAATTCAGCGAACTACCCACAAAAGCATTCCAAGCTGTACCTTGATTACAG[G>T]TGTCTTCCAGATATCCTACCAAATCTGAATCACTATCAGGACTGAAAGTCCCTTCGCTGG-3'
Protein context (NP_000283.1, residues 641-661): DSDLVGYLED[Thr651Asn]CNQESQDELD

ClinVar aggregate classification (germline): Benign. Review status: criteria provided, multiple submitters, no conflicts (2 of 4 stars). 6 submissions from 6 submitters: Benign (6). Last evaluated 2026-01-28.

Conditions:
Glycogen storage disease IXa1. Also called: GLYCOGEN STORAGE DISEASE VIII; GSD VIII; Glycogen storage disease 8; LIVER GLYCOGENOSIS, X-LINKED, TYPE I. Identifiers: Orphanet 264580, MedGen C3694531, MONDO:0010598, OMIM 306000.

Allele frequency attached by ClinVar (database versions not stated): ESP Exome Variant Server 0.00189; gnomAD 0.00332 and 0.00345; gnomAD exomes 0.00335 and 0.00573; 1000 Genomes Project 30x 0.00437; 1000 Genomes Project 0.00450; ExAC 0.00497; TOPMed 0.00537.
gnomAD v4.1: 4,037 of 1,200,405 alleles (0.34%); highest among the groups gnomAD compares: Admixed American, 2.5%; 22 homozygotes.

Submissions (6):

Labcorp Genetics (formerly Invitae), Labcorp
Classification: Benign for Glycogen storage disease IXa1. Last evaluated: 2026-01-28. Review status: criteria provided, single submitter. Criteria: Invitae Variant Classification Sherloc (09022015). Collection method: clinical testing. Allele origin: germline.

Mayo Clinic Laboratories, Mayo Clinic
Classification: Benign. Last evaluated: 2021-11-18. Review status: criteria provided, single submitter. Criteria: ACMG Guidelines, 2015. Collection method: clinical testing. Allele origin: germline. Observed: 9 variant alleles.
Comment: BA1, BS2, BP4

Center for Pediatric Genomic Medicine, Children's Mercy Hospital and Clinics
Classification: Benign. Last evaluated: 2017-01-05. Review status: criteria provided, single submitter. Criteria: ACMG Guidelines, 2015. Collection method: clinical testing. Allele origin: germline.

GeneDx
Classification: Benign. Last evaluated: 2016-03-11. Review status: criteria provided, single submitter. Criteria: GeneDx Variant Classification (06012015). Collection method: clinical testing. Allele origin: germline. Affected: yes.
Comment: This variant is considered likely benign or benign based on one or more of the following criteria: it is a conservative change, it occurs at a poorly conserved position in the protein, it is predicted to be benign by multiple in silico algorithms, and/or has population frequency not consistent with disease.

Breakthrough Genomics
Classification: Benign. Review status: criteria provided, single submitter. Criteria: ACMG Guidelines, 2015. Collection method: not provided. Allele origin: germline. Inheritance: X-linked inheritance. Affected: yes.

PreventionGenetics, part of Exact Sciences
Classification: Benign. Review status: criteria provided, single submitter. Criteria: ACMG Guidelines, 2015. Collection method: clinical testing. Allele origin: germline.